The following is an entry in ClinVar:

ClinVar aggregate classification (germline): Conflicting classifications of pathogenicity. Review status: criteria provided, conflicting classifications (1 of 4 stars). 13 submissions from 13 submitters: Uncertain significance (8); Likely benign (2). 3 of the submissions do not count toward it. Last evaluated 2025-11-27.

Conditions:
Hereditary breast ovarian cancer syndrome. Also called: BRCA1- and BRCA2-Associated Hereditary Breast and Ovarian Cancer; Hereditary breast and ovarian cancer syndrome; Hereditary breast and ovarian cancer syndrome (HBOC); Breast and ovarian cancer; Hereditary breast and/or ovarian cancer syndrome; Hereditary breast and ovarian cancer. Identifiers: Orphanet 145, MedGen C0677776, MeSH D061325, MONDO:0003582. Disease mechanism: loss of function.
Hereditary cancer-predisposing syndrome. Also called: Hereditary Cancer Syndrome; Hereditary neoplastic syndrome; Neoplastic Syndromes, Hereditary; Tumor predisposition. Identifiers: Orphanet 140162, MedGen C0027672, MeSH D009386, MONDO:0015356.
Breast-ovarian cancer, familial, susceptibility to, 1 (BROVCA1). Also called: BRCA1 Hereditary Breast and Ovarian Cancer; OVARIAN CANCER, SUSCEPTIBILITY TO. Identifiers: Orphanet 145, MedGen C2676676, MONDO:0011450, OMIM 604370. Disease mechanism: loss of function.

gnomAD v4.1: 5 of 1,614,192 alleles (0.00031%); highest among the groups gnomAD compares: Non-Finnish European, 0.00042%; no homozygotes.

Submissions (13):

Labcorp Genetics (formerly Invitae), Labcorp
Classification: Uncertain significance for Hereditary breast ovarian cancer syndrome. Last evaluated: 2025-11-27. Review status: criteria provided, single submitter. Criteria: Invitae Variant Classification Sherloc (09022015). Collection method: clinical testing. Allele origin: germline.
Comment: This sequence change replaces serine, which is neutral and polar, with tyrosine, which is neutral and polar, at codon 1241 of the BRCA1 protein (p.Ser1241Tyr). This variant is not present in population databases (gnomAD no frequency). This missense change has been observed in individual(s) with breast and/or ovarian cancer (PMID: 16267036). ClinVar contains an entry for this variant (Variation ID: 54979). Invitae Evidence Modeling of protein sequence and biophysical properties (such as structural, functional, and spatial information, amino acid conservation, physicochemical variation, residue mobility, and thermodynamic stability) indicates that this missense variant is expected to disrupt BRCA1 protein function with a positive predictive value of 80%. In summary, the available evidence is currently insufficient to determine the role of this variant in disease. Therefore, it has been classified as a Variant of Uncertain Significance.

Quest Diagnostics Nichols Institute San Juan Capistrano
Classification: Uncertain significance. Last evaluated: 2025-10-29. Review status: criteria provided, single submitter. Criteria: Quest Diagnostics criteria. Collection method: clinical testing. Allele origin: unknown.
Comment: The BRCA1 c.3722C>A (p.Ser1241Tyr) variant has been reported in the published literature in individuals with breast and/or ovarian cancer (PMID: 16267036 (2005)). It has been identified in a study of possible variants which may alter phosphorylation patterns of BRCA1/BRCA2 (PMID: 23704879 (2013)). Additionally, this variant is described to be located in a region of the BRCA1 gene that is tolerant to missense sequence changes (PMID: 31911673 (2020)). This variant has not been reported in large, multi-ethnic general populations (Genome Aggregation Database). Analysis of this variant using bioinformatics tools for the prediction of the effect of amino acid changes on protein structure and function yielded predictions that this variant is benign. Based on the available information, we are unable to determine the clinical significance of this variant.

Color Diagnostics, LLC DBA Color Health
Classification: Uncertain significance for Hereditary cancer-predisposing syndrome. Last evaluated: 2025-09-10. Review status: criteria provided, single submitter. Criteria: ACMG Guidelines, 2015. Collection method: clinical testing. Allele origin: germline.
Comment: This missense variant replaces serine with tyrosine at codon 1241 of the BRCA1 protein. Computational prediction suggests that this variant may not impact protein structure and function. To our knowledge, functional studies have not been reported for this variant. A multifactorial analysis has reached a combined likelihood ratio (LR) of 0.764 based on reported LR for co-occurrence with a pathogenic variant and personal and family history for 1 carrier. (PMID: 31853058). This variant has been reported in an individual whol had BRCA1 mutation testing (PMID: 16267036). This variant has not been identified in the general population by the Genome Aggregation Database (gnomAD). The available evidence is insufficient to determine the role of this variant in disease conclusively. Therefore, this variant is classified as a Variant of Uncertain Significance.

Ambry Genetics
Classification: Uncertain significance for Hereditary cancer-predisposing syndrome. Last evaluated: 2025-07-21. Review status: criteria provided, single submitter. Criteria: Ambry Variant Classification Scheme 2023. Collection method: clinical testing. Allele origin: germline.
Comment: The p.S1241Y variant (also known as c.3722C>A), located in coding exon 9 of the BRCA1 gene, results from a C to A substitution at nucleotide position 3722. The serine at codon 1241 is replaced by tyrosine, an amino acid with dissimilar properties. This amino acid position is not well conserved in available vertebrate species. In addition, the in silico prediction for this alteration is inconclusive. Based on the available evidence, the clinical significance of this variant remains unclear.

Blueprint Genetics
Classification: Uncertain significance. Last evaluated: 2023-09-27. Review status: criteria provided, single submitter. Criteria: ACMG Guidelines, 2015. Collection method: clinical testing. Allele origin: germline.

University of Washington Department of Laboratory Medicine, University of Washington
Classification: Likely benign for Hereditary cancer-predisposing syndrome. Last evaluated: 2023-03-23. Review status: criteria provided, single submitter. Criteria: Dines et al. (Genet Med. 2020). Collection method: curation. Allele origin: germline.
Comment: Missense variant in a coldspot region where missense variants are very unlikely to be pathogenic (PMID:31911673).

BRCA1 coldspot (exon 11 using historical exon numbering). Reclassification based on statistical prior probability

All of Us Research Program, National Institutes of Health
Classification: Uncertain significance for Breast-ovarian cancer, familial, susceptibility to, 1. Last evaluated: 2023-03-04. Review status: criteria provided, single submitter. Criteria: ACMG Guidelines, 2015. Collection method: clinical testing. Allele origin: germline. Inheritance: Autosomal dominant inheritance. Observed: 1 variant allele, 1 heterozygote.
Comment: This missense variant replaces serine with tyrosine at codon 1241 of the BRCA1 protein. Computational prediction suggests that this variant may not impact protein structure and function (internally defined REVEL score threshold <= 0.5, PMID: 27666373). To our knowledge, functional studies have not been reported for this variant. This variant has been observed in an individual affected with breast and/or ovarian cancer (PMID: 16267036). This variant has not been identified in the general population by the Genome Aggregation Database (gnomAD). The available evidence is insufficient to determine the role of this variant in disease conclusively. Therefore, this variant is classified as a Variant of Uncertain Significance.

This study involves interpretation of variants in research participants for the purpose of population health screening. Participant phenotype was not available at the time of variant classification. Additional details can be found in publication PMID: 35346344, PMCID: PMC8962531

Women's Health and Genetics/Laboratory Corporation of America, LabCorp
Classification: Uncertain significance. Last evaluated: 2022-04-20. Review status: criteria provided, single submitter. Criteria: LabCorp Variant Classification Summary - May 2015. Collection method: clinical testing. Allele origin: germline.
Comment: Variant summary: BRCA1 c.3722C>A (p.Ser1241Tyr) results in a non-conservative amino acid change in the encoded protein sequence. Three of five in-silico tools predict a benign effect of the variant on protein function. The variant was absent in 251278 control chromosomes (gnomAD). The available data on variant occurrences in the general population are insufficient to allow any conclusion about variant significance. c.3722C>A has been reported in the literature in individual(s) affected with Hereditary Breast And Ovarian Cancer Syndrome (Judkins_2005). This report does not provide unequivocal conclusions about association of the variant with Hereditary Breast And Ovarian Cancer Syndrome. To our knowledge, no experimental evidence demonstrating an impact on protein function has been reported. Four ClinVar submitters (evaluation after 2014) cite the variant as uncertain significance and one ClinVar submitter (evaluation after 2014) cites it as likely benign. Based on the evidence outlined above, the variant was classified as uncertain significance.

Sema4
Classification: Uncertain significance for Hereditary cancer-predisposing syndrome. Last evaluated: 2021-11-10. Review status: criteria provided, single submitter. Criteria: Sema4 Curation Guidelines. Collection method: curation. Allele origin: germline.
Comment: The BRCA1 c.3722C>A (p.S1241Y) variant has been reported in heterozygosity in at least one individual undergoing genetic testing for hereditary breast and ovarian cancer (PMID: 16267036). It was not observed in the large and broad cohorts of the Genome Aggregation Database. The variant has been reported in ClinVar (Variation ID 54979). Functional studies have not been performed, and in silico predictions of the variant's effect on protein function are inconclusive. The evidence is insufficient to meet ACMG/AMP criteria for classifying the variant as benign or pathogenic. Thus, the clinical significance of this variant is currently uncertain.

GeneDx
Classification: Likely benign. Last evaluated: 2018-05-03. Review status: criteria provided, single submitter. Criteria: GeneDx Variant Classification Process June 2021. Collection method: clinical testing. Allele origin: germline. Affected: yes.
Comment: This variant is associated with the following publications: (PMID: 16267036, 15385441, 25722345, 17100994)

BRCAlab, Lund University
Classification: Uncertain significance for Breast-ovarian cancer, familial, susceptibility to, 1. Last evaluated: 2020-03-02. Review status: no assertion criteria provided. Collection method: clinical testing. Allele origin: germline. Affected: yes. Not counted in ClinVar's aggregate classification.

Counsyl
Classification: Uncertain significance for Breast-ovarian cancer, familial, susceptibility to, 1. Last evaluated: 2016-08-03. Review status: no assertion criteria provided. Collection method: clinical testing. Allele origin: unknown. Not counted in ClinVar's aggregate classification.

Breast Cancer Information Core (BIC) (BRCA1)
Classification: Uncertain significance for Breast-ovarian cancer, familial 1. Last evaluated: 2004-02-20. Review status: no assertion criteria provided. Collection method: clinical testing. Allele origin: germline. Affected: yes. Observed: 1 variant allele. Not counted in ClinVar's aggregate classification.

Literature cited by the submitters: PubMed 16267036 (cited by 7 submitters); PubMed 15385441 (cited by 3 submitters); PubMed 25722345 (cited by Quest Diagnostics Nichols Institute San Juan Capistrano and Counsyl); PubMed 23704879 (cited by Quest Diagnostics Nichols Institute San Juan Capistrano and Women's Health and Genetics/Laboratory Corporation of America, LabCorp); PubMed 31911673 (cited by Quest Diagnostics Nichols Institute San Juan Capistrano); PubMed 31853058 (cited by Color Diagnostics, LLC DBA Color Health).

NM_007294.4(BRCA1):c.3722C>A (p.Ser1241Tyr)

Genes: BRCA1 (BRCA1 DNA repair associated; minus strand), LOC126862571 (BRD4-independent group 4 enhancer GRCh37_chr17:41243136-41244335; plus strand). Cytogenetic location: 17q21.31.
Variant type: single nucleotide variant.
Coding change: c.3722C>A on transcript NM_007294.4 (MANE Select); coding-DNA position 3722, C replaced by A.
Protein change: p.Ser1241Tyr; replaces serine 1241 with tyrosine.
Molecular consequence: missense variant. On other transcripts: intron variant (135).
Genome position (GRCh38, 1-based): chr17:43,091,809, G>T on the plus strand (C>A on the coding strand, the complement: BRCA1 is on the minus strand). VCF-style: chr17-43091809-G-T. GRCh37 (hg19) VCF-style: chr17-41243826-G-T.
Other names: c.662-777C>A (NM_001408448.1, NM_001408445.1, NM_001408432.1 and 6 more transcripts); c.668-777C>A (NM_001408421.1, NM_001408431.1, NM_001408424.1); c.785-777C>A (NM_001407991.1, NM_001408407.1, NM_001408402.1 and 13 more transcripts); c.665-777C>A (NM_001408427.1, NM_001408443.1, NM_001408439.1 and 12 more transcripts); c.524-777C>A (NM_001408496.1, NM_001408499.1, NM_001408498.1 and 3 more transcripts); c.647-777C>A (NM_001408460.1, NM_001408454.1, NM_001408456.1 and 11 more transcripts); c.707-777C>A (NM_001408413.1, NM_001408416.1); c.587-777C>A (NM_001408476.1, NM_001408474.1); and 41 more; short protein forms S1241Y, S1194Y, S1129Y, S1152Y, S1153Y, S1200Y, S1215Y, S1238Y.
Identifiers: ClinVar variation 54979 (VCV000054979.29), dbSNP rs80357143, ClinGen allele CA002389.
Genomic context (GRCh38, chr17:43,091,809, plus strand): 5'-AATAAATTCTCCTCTGTGTTCTTAGACAGACACTCGGTAGCAACGGTGCTATGCCTAGTA[G>T]ACTGAGAAGGTATATTGTTTACTTTACCAAATAACAAGTGTTGGAAGCAGGGAAGCTCTT-3'
Protein context (NP_009225.1, residues 1231-1251): FGKVNNIPSQ[Ser1241Tyr]TRHSTVATEC